The following is an entry in ClinVar:

NM_001080414.4(CCDC88C):c.3689T>C (p.Leu1230Ser)

Gene: CCDC88C (coiled-coil and HOOK domain protein 88C; minus strand). Cytogenetic location: 14q32.11.
Variant type: single nucleotide variant.
Coding change: c.3689T>C on transcript NM_001080414.4 (MANE Select); coding-DNA position 3689, T replaced by C.
Protein change: p.Leu1230Ser; replaces leucine 1230 with serine.
Molecular consequence: missense variant. On other transcripts: non-coding transcript variant (2).
Genome position (GRCh38, 1-based): chr14:91,300,017, A>G on the plus strand (T>C on the coding strand, the complement: CCDC88C is on the minus strand). VCF-style: chr14-91300017-A-G. GRCh37 (hg19) VCF-style: chr14-91766361-A-G.
Other names: short protein forms L1230S.
Identifiers: ClinVar variation 4536652 (VCV004536652.1).
Genomic context (GRCh38, chr14:91,300,017, plus strand): 5'-TCGCCCATGGCGAGGGCGTTTGTCCTCTGCTCCTGCTGCAGCGCCTCTCGCTCAGTGGTC[A>G]AGACCTTCTCCCGCTCCTCCAGCTCCGCCTTGCGCTTCAGCATGTCACCGTGCCTGTTGG-3'
Protein context (NP_001073883.2, residues 1220-1240): KAELEEREKV[Leu1230Ser]TTEREALQQE

ClinVar aggregate classification (germline): Uncertain significance (1 of 4 stars; one submission).

gnomAD v4.1: 16 of 1,604,726 alleles (0.001%); highest among the groups gnomAD compares: Non-Finnish European, 0.0014%; no homozygotes.

Submission:

Women's Health and Genetics/Laboratory Corporation of America, LabCorp
Classification: Uncertain significance. Last evaluated: 2025-11-17. Review status: criteria provided, single submitter. Criteria: LabCorp Variant Classification Summary - May 2015. Collection method: clinical testing. Allele origin: germline.
Comment: Variant summary: CCDC88C c.3689T>C (p.Leu1230Ser) results in a non-conservative amino acid change in the encoded protein sequence. Algorithms developed to predict the effect of missense changes on protein structure and function are either unavailable or do not agree on the potential impact of this missense change. The variant allele was found at a frequency of 4.3e-06 in 232078 control chromosomes. The available data on variant occurrences in the general population are insufficient to allow any conclusion about variant significance. To our knowledge, no occurrence of c.3689T>C in individuals affected with CCDC88C-related conditions and no experimental evidence demonstrating its impact on protein function have been reported. No submitters have cited clinical-significance assessments for this variant to ClinVar. Based on the evidence outlined above, the variant was classified as uncertain significance.